The following is an entry in ClinVar:

NM_006734.4(HIVEP2):c.3245G>C (p.Arg1082Pro)

Gene: HIVEP2 (HIVEP zinc finger 2; minus strand). Cytogenetic location: 6q24.2.
Variant type: single nucleotide variant.
Coding change: c.3245G>C on transcript NM_006734.4 (MANE Select); coding-DNA position 3245, G replaced by C.
Protein change: p.Arg1082Pro; replaces arginine 1082 with proline.
Molecular consequence: missense variant.
Genome position (GRCh38, 1-based): chr6:142,771,494, C>G on the plus strand (G>C on the coding strand, the complement: HIVEP2 is on the minus strand). VCF-style: chr6-142771494-C-G. GRCh37 (hg19) VCF-style: chr6-143092631-C-G.
Other names: c.3245G>C, p.Arg1082Pro (NM_001438449.1, NM_001438450.1, NM_001438451.1); short protein forms R1082P.
Identifiers: ClinVar variation 4743863 (VCV004743863.1).
Genomic context (GRCh38, chr6:142,771,494, plus strand): 5'-CTCTGATCCATGCCAACCTCGCCCTGGGAGATTTCTGGGGAGCCACTGAAGGAAGCTTGC[C>G]GCACCAGAAAGCATTTCTTCCTCTCCCTGGACGGTGATACCGTGGAGGCTGCTGCTCCCG-3'
Protein context (NP_006725.3, residues 1072-1092): SRERKKCFLV[Arg1082Pro]QASFSGSPEI

ClinVar aggregate classification (germline): Uncertain significance (1 of 4 stars; one submission).

Submission:

Labcorp Genetics (formerly Invitae), Labcorp
Classification: Uncertain significance. Last evaluated: 2025-07-30. Review status: criteria provided, single submitter. Criteria: Invitae Variant Classification Sherloc (09022015). Collection method: clinical testing. Allele origin: germline.
Comment: This sequence change replaces arginine, which is basic and polar, with proline, which is neutral and non-polar, at codon 1082 of the HIVEP2 protein (p.Arg1082Pro). This variant is not present in population databases (gnomAD no frequency). This variant has not been reported in the literature in individuals affected with HIVEP2-related conditions. Invitae Evidence Modeling of protein sequence and biophysical properties (such as structural, functional, and spatial information, amino acid conservation, physicochemical variation, residue mobility, and thermodynamic stability) indicates that this missense variant is expected to disrupt HIVEP2 protein function with a positive predictive value of 80%. In summary, the available evidence is currently insufficient to determine the role of this variant in disease. Therefore, it has been classified as a Variant of Uncertain Significance.